The following is an entry in ClinVar:

ClinVar aggregate classification (germline): Pathogenic (1 of 4 stars; one submission).

Submission:

GeneDx
Classification: Pathogenic. Last evaluated: 2026-01-25. Review status: criteria provided, single submitter. Criteria: GeneDx Variant Classification Process June 2021. Collection method: clinical testing. Allele origin: germline.
Comment: Observed with a pathogenic variant in a pediatric patient with atopic dermatitis, but it is not known whether the variants occurred on the same (in cis) or on different (in trans) chromosomes (PMID: 24880632); Nonsense variant predicted to result in protein truncation, as the last 2782 amino acids are lost, and other loss-of-function variants have been reported downstream in HGMD; This variant is associated with the following publications: (PMID: 38564302, 24880632, 16444271)

NM_002016.2(FLG):c.3839C>A (p.Ser1280Ter)

Genes: CCDST (cervical cancer associated DHX9 suppressive transcript; plus strand), FLG (filaggrin; minus strand). Cytogenetic location: 1q21.3.
Variant type: single nucleotide variant.
Coding change: c.3839C>A on transcript NM_002016.2 (MANE Select); coding-DNA position 3839, C replaced by A.
Protein change: p.Ser1280Ter; replaces serine 1280 with a stop codon.
Molecular consequence: nonsense.
Genome position (GRCh38, 1-based): chr1:152,311,047, G>T on the plus strand (C>A on the coding strand, the complement: FLG is on the minus strand). VCF-style: chr1-152311047-G-T. GRCh37 (hg19) VCF-style: chr1-152283523-G-T.
Other names: short protein forms S1280*.
Identifiers: ClinVar variation 3340940 (VCV003340940.2).